The following is an entry in ClinVar:

NM_020884.7(MYH7B):c.3115G>A (p.Glu1039Lys)

Gene: MYH7B (myosin heavy chain 7B; plus strand). Cytogenetic location: 20q11.22.
Variant type: single nucleotide variant.
Coding change: c.3115G>A on transcript NM_020884.7 (MANE Select); coding-DNA position 3115, G replaced by A.
Protein change: p.Glu1039Lys; replaces glutamic acid 1039 with lysine.
Molecular consequence: missense variant.
Genome position (GRCh38, 1-based): chr20:34,996,517, G>A. VCF-style: chr20-34996517-G-A. GRCh37 (hg19) VCF-style: chr20-33584320-G-A.
Other names: short protein forms E1039K.
Identifiers: ClinVar variation 3676911 (VCV003676911.2).

ClinVar aggregate classification (germline): Uncertain significance (1 of 4 stars; one submission).

Submission:

Labcorp Genetics (formerly Invitae), Labcorp
Classification: Uncertain significance. Last evaluated: 2025-02-26. Review status: criteria provided, single submitter. Criteria: Invitae Variant Classification Sherloc (09022015). Collection method: clinical testing. Allele origin: germline.
Comment: This sequence change replaces glutamic acid, which is acidic and polar, with lysine, which is basic and polar, at codon 1081 of the MYH7B protein (p.Glu1081Lys). This variant is not present in population databases (gnomAD no frequency). This variant has not been reported in the literature in individuals affected with MYH7B-related conditions. Invitae Evidence Modeling of protein sequence and biophysical properties (such as structural, functional, and spatial information, amino acid conservation, physicochemical variation, residue mobility, and thermodynamic stability) indicates that this missense variant is expected to disrupt MYH7B protein function with a positive predictive value of 80%. Algorithms developed to predict the effect of sequence changes on RNA splicing suggest that this variant may create or strengthen a splice site. In summary, the available evidence is currently insufficient to determine the role of this variant in disease. Therefore, it has been classified as a Variant of Uncertain Significance.